The following is an entry in ClinVar:

NM_015355.4(SUZ12):c.988A>T (p.Lys330Ter)

Gene: SUZ12 (SUZ12 polycomb repressive complex 2 subunit; plus strand). Cytogenetic location: 17q11.2.
Variant type: single nucleotide variant.
Coding change: c.988A>T on transcript NM_015355.4 (MANE Select); coding-DNA position 988, A replaced by T.
Protein change: p.Lys330Ter; replaces lysine 330 with a stop codon.
Molecular consequence: nonsense.
Genome position (GRCh38, 1-based): chr17:31,983,069, A>T. VCF-style: chr17-31983069-A-T. GRCh37 (hg19) VCF-style: chr17-30310088-A-T.
Other names: c.919A>T, p.Lys307Ter (NM_001321207.2); short protein forms K307*, K330*.
Identifiers: ClinVar variation 4759333 (VCV004759333.1).
Genomic context (GRCh38, chr17:31,983,069, plus strand): 5'-CTTTTAGATGGGGAATATGAAGTAGCCATGCAGGAAATGGAAGAATGTCCAATAAGCAAG[A>T]AAAGAGCAACATGGGAGACTATTCTTGATGGGAAGGTATGGACTACTTAGAAGGTTGAGC-3'

ClinVar aggregate classification (germline): Likely pathogenic (1 of 4 stars; one submission).

Conditions:
Imagawa-Matsumoto syndrome. Identifiers: Orphanet 659463, MedGen C5394073, MONDO:0032916, OMIM 618786.

Submission:

Institute for Genomic Medicine (IGM) Clinical Laboratory, Nationwide Children's Hospital
Classification: Likely pathogenic for Imagawa-Matsumoto syndrome. Last evaluated: 2023-07-28. Review status: criteria provided, single submitter. Criteria: ACMG Guidelines, 2015. Collection method: clinical testing. Allele origin: germline.
Comment: This variant is predicted to result in loss of function through nonsense-mediated decay of the encoded transcript or premature truncation of the encoded protein in a gene in which loss of function is a known mechanism of disease (ACMG/AMP: PVS1). This variant is absent from or present at an exceedingly low frequency in gnomAD, a large-scale control population database (ACMG/AMP: PM2).